The following is an entry in ClinVar:

NM_030948.6(PHACTR1):c.-96C>T

Gene: PHACTR1 (phosphatase and actin regulator 1; plus strand). Cytogenetic location: 6p24.1.
Variant type: single nucleotide variant.
Coding change: c.-96C>T on transcript NM_030948.6 (MANE Select); 96 bases upstream of the start codon, C replaced by T.
Molecular consequence: 5 prime UTR variant. On other transcripts: intron variant (4).
Genome position (GRCh38, 1-based): chr6:12,717,694, C>T. VCF-style: chr6-12717694-C-T. GRCh37 (hg19) VCF-style: chr6-12717926-C-T.
Other names: c.-96C>T (NM_001374584.1); c.-47+141C>T (NM_001242648.4, NM_001374582.1); c.-47+798C>T (NM_001374581.2, NM_001322308.3).
Identifiers: ClinVar variation 5041673 (VCV005041673.1).

ClinVar aggregate classification (germline): Uncertain significance (1 of 4 stars; one submission).

Submission:

CeGaT Center for Human Genetics Tuebingen
Classification: Uncertain significance. Last evaluated: 2026-09-01. Review status: criteria provided, single submitter. Criteria: CeGaT Center For Human Genetics Tuebingen Variant Classification Criteria Version 2. Collection method: clinical testing. Allele origin: germline. Affected: yes. Observed: 1 variant allele.
Comment: PHACTR1: PM2